The following is an entry in ClinVar:

NM_000075.4(CDK4):c.42C>G (p.Val14=)

Gene: CDK4 (cyclin dependent kinase 4; minus strand). Cytogenetic location: 12q14.1.
Variant type: single nucleotide variant.
Coding change: c.42C>G on transcript NM_000075.4 (MANE Select); coding-DNA position 42, C replaced by G.
Protein change: p.Val14=; no amino-acid change (valine 14 retained).
Molecular consequence: synonymous variant.
Genome position (GRCh38, 1-based): chr12:57,751,676, G>C on the plus strand (C>G on the coding strand, the complement: CDK4 is on the minus strand). VCF-style: chr12-57751676-G-C. GRCh37 (hg19) VCF-style: chr12-58145459-G-C.
Other names: c.42C>G (NM_000075.3).
Identifiers: ClinVar variation 3379098 (VCV003379098.2).

ClinVar aggregate classification (germline): Benign/Likely benign. Review status: criteria provided, multiple submitters, no conflicts (2 of 4 stars). 2 submissions from 2 submitters: Benign (1); Likely benign (1). Last evaluated 2025-05-03.

Conditions:
Melanoma, cutaneous malignant, susceptibility to, 3. Also called: Cutaneous malignant melanoma 3. Identifiers: Orphanet 618, MedGen C1836892, MONDO:0012183, OMIM 609048.
Hereditary cancer-predisposing syndrome. Also called: Neoplastic Syndromes, Hereditary; Tumor predisposition; Hereditary Cancer Syndrome; Hereditary neoplastic syndrome. Identifiers: Orphanet 140162, MedGen C0027672, MeSH D009386, MONDO:0015356.

gnomAD v4.1: 1 of 1,614,032 alleles (0.000062%); highest among the groups gnomAD compares: Non-Finnish European, 0.000085%; no homozygotes.

Submissions (2):

Ambry Genetics
Classification: Likely benign for Hereditary cancer-predisposing syndrome. Last evaluated: 2025-05-03. Review status: criteria provided, single submitter. Criteria: Ambry Variant Classification Scheme 2023. Collection method: clinical testing. Allele origin: germline.

Myriad Genetics, Inc.
Classification: Benign for Melanoma, cutaneous malignant, susceptibility to, 3. Last evaluated: 2024-09-24. Review status: criteria provided, single submitter. Criteria: Myriad Autosomal Dominant, Autosomal Recessive and X-Linked Classification Criteria (2023). Collection method: clinical testing. Allele origin: unknown.
Comment: This variant is considered benign. This variant is a silent/synonymous amino acid change and it is not expected to impact splicing.